The following is an entry in ClinVar:

ClinVar aggregate classification (germline): Likely benign (1 of 4 stars; one submission).

Conditions:
Epidermolysis bullosa simplex. Also called: Epidermolysis bullosa simplex, Weber-Cockayne type (subtype); Epidermolysis bullosa simplex, Dowling-Meara type (subtype); Epidermolysis bullosa simplex with mottled pigmentation (subtype). Identifiers: Orphanet 304, MedGen C0079298, MONDO:0017610.

Allele frequency attached by ClinVar (database versions not stated): gnomAD 0.00001; ExAC 0.00002; gnomAD exomes 0.00002; ESP Exome Variant Server 0.00008; TOPMed 0.00003.
gnomAD v4.1: 18 of 1,614,052 alleles (0.0011%); highest among the groups gnomAD compares: African/African-American, 0.0027%; no homozygotes.

Submission:

Illumina Laboratory Services, Illumina
Classification: Likely benign for Epidermolysis bullosa simplex. Last evaluated: 2017-04-28. Review status: criteria provided, single submitter. Criteria: ICSL Variant Classification Criteria 13 December 2019. Collection method: clinical testing. Allele origin: germline.
Comment: This variant was observed as part of a predisposition screen in an ostensibly healthy population. A literature search was performed for the gene, cDNA change, and amino acid change (where applicable). Publications were found based on this search. The evidence from the literature, in combination with allele frequency data from public databases where available, was sufficient to determine this variant is unlikely to cause disease. Therefore, this variant is classified as likely benign.

Literature cited by the submitters: PubMed 7682695; PubMed 21375516.

NM_000424.4(KRT5):c.560G>A (p.Arg187Gln)

Genes: KRT5 (keratin 5; minus strand), LOC126861526 (BRD4-independent group 4 enhancer GRCh37_chr12:52912066-52913265; plus strand). Cytogenetic location: 12q13.13.
Variant type: single nucleotide variant.
Coding change: c.560G>A on transcript NM_000424.4 (MANE Select); coding-DNA position 560, G replaced by A.
Protein change: p.Arg187Gln; replaces arginine 187 with glutamine.
Molecular consequence: missense variant.
Genome position (GRCh38, 1-based): chr12:52,519,156, C>T on the plus strand (G>A on the coding strand, the complement: KRT5 is on the minus strand). VCF-style: chr12-52519156-C-T. GRCh37 (hg19) VCF-style: chr12-52912940-C-T.
Other names: short protein forms R187Q.
Identifiers: ClinVar variation 882222 (VCV000882222.4), dbSNP rs267607452, ClinGen allele CA6582804.